The following is an entry in ClinVar:

ClinVar aggregate classification (germline): Uncertain significance (1 of 4 stars; one submission).

Conditions:
Congenital primary aphakia. Also called: Anterior segment dysgenesis 2, multiple subtypes; ANTERIOR SEGMENT DYSGENESIS 2. Identifiers: Orphanet 83461, MedGen C1853230, MONDO:0012456, OMIM 610256.
Anterior segment dysgenesis. Also called: Ocular anterior segment dysgenesis. Identifiers: Orphanet 88632, MedGen C1862839, MONDO:0019503, HP:0007700.

Submission:

Labcorp Genetics (formerly Invitae), Labcorp
Classification: Uncertain significance for Anterior segment dysgenesis; Congenital primary aphakia. Last evaluated: 2018-11-06. Review status: criteria provided, single submitter. Criteria: Invitae Variant Classification Sherloc (09022015). Collection method: clinical testing. Allele origin: germline.
Comment: This sequence change replaces proline with serine at codon 238 of the FOXE3 protein (p.Pro238Ser). The proline residue is moderately conserved and there is a moderate physicochemical difference between proline and serine. The frequency data for this variant in the population databases is considered unreliable, as metrics indicate insufficient coverage at this position in the ExAC database. This variant has not been reported in the literature in individuals with FOXE3-related disease. Algorithms developed to predict the effect of missense changes on protein structure and function are either unavailable or do not agree on the potential impact of this missense change (SIFT: "Tolerated"; PolyPhen-2: "Possibly Damaging"; Align-GVGD: "Class C0"). In summary, the available evidence is currently insufficient to determine the role of this variant in disease. Therefore, it has been classified as a Variant of Uncertain Significance.

NM_012186.3(FOXE3):c.712C>T (p.Pro238Ser)

Genes: FOXE3 (forkhead box E3; plus strand), LINC01389 (long independently transcribed non-coding RNA 1389; minus strand). Cytogenetic location: 1p33.
Variant type: single nucleotide variant.
Coding change: c.712C>T on transcript NM_012186.3 (MANE Select); coding-DNA position 712, C replaced by T.
Protein change: p.Pro238Ser; replaces proline 238 with serine.
Molecular consequence: missense variant.
Genome position (GRCh38, 1-based): chr1:47,417,027, C>T. VCF-style: chr1-47417027-C-T. GRCh37 (hg19) VCF-style: chr1-47882699-C-T.
Other names: short protein forms P238S.
Identifiers: ClinVar variation 646437 (VCV000646437.10), dbSNP rs1327526761, ClinGen allele CA340250567.